The following is an entry in ClinVar:

ClinVar aggregate classification (germline): Uncertain significance (1 of 4 stars; one submission).

Conditions:
Hereditary spastic paraplegia 39 (SPG39). Also called: SPASTIC PARAPLEGIA 39, AUTOSOMAL RECESSIVE; Spastic Paraplegia Type 39 (SPG39). Identifiers: Orphanet 139480, MedGen C2677586, MONDO:0012787, OMIM 612020.

Allele frequency attached by ClinVar (database versions not stated): ExAC 0.00001; gnomAD exomes 0.00001 and 0.00002; TOPMed 0.00001.
gnomAD v4.1: 7 of 1,613,640 alleles (0.00043%); highest among the groups gnomAD compares: East Asian, 0.0067%; no homozygotes.

Submission:

Labcorp Genetics (formerly Invitae), Labcorp
Classification: Uncertain significance for Hereditary spastic paraplegia 39. Last evaluated: 2025-07-28. Review status: criteria provided, single submitter. Criteria: Invitae Variant Classification Sherloc (09022015). Collection method: clinical testing. Allele origin: germline.
Comment: This sequence change replaces isoleucine, which is neutral and non-polar, with valine, which is neutral and non-polar, at codon 1109 of the PNPLA6 protein (p.Ile1109Val). This variant is present in population databases (rs754198302, gnomAD 0.02%). This missense change has been observed in individual(s) with a medical history of flexion contracture, spasticity, and dystonia (internal data). ClinVar contains an entry for this variant (Variation ID: 662663). Invitae Evidence Modeling of protein sequence and biophysical properties (such as structural, functional, and spatial information, amino acid conservation, physicochemical variation, residue mobility, and thermodynamic stability) indicates that this missense variant is not expected to disrupt PNPLA6 protein function with a negative predictive value of 80%. In summary, the available evidence is currently insufficient to determine the role of this variant in disease. Therefore, it has been classified as a Variant of Uncertain Significance.

NM_001166114.2(PNPLA6):c.3439A>G (p.Ile1147Val)

Gene: PNPLA6 (patatin like domain 6, lysophospholipase; plus strand). Cytogenetic location: 19p13.2.
Variant type: single nucleotide variant.
Coding change: c.3439A>G on transcript NM_001166114.2 (MANE Select); coding-DNA position 3439, A replaced by G.
Protein change: p.Ile1147Val; replaces isoleucine 1147 with valine.
Molecular consequence: missense variant.
Genome position (GRCh38, 1-based): chr19:7,558,891, A>G. VCF-style: chr19-7558891-A-G. GRCh37 (hg19) VCF-style: chr19-7623777-A-G.
Other names: c.3469A>G, p.Ile1157Val (NM_001166111.2); c.3244A>G, p.Ile1082Val (NM_001166112.2); c.3325A>G, p.Ile1109Val (NM_001166113.1, NM_006702.5); short protein forms I1157V, I1109V, I1082V, I1147V.
Identifiers: ClinVar variation 662663 (VCV000662663.10), dbSNP rs754198302, ClinGen allele CA9140490.
Genomic context (GRCh38, chr19:7,558,891, plus strand): 5'-GACCCCCCTGGCCCCACAGCGGACATCGCCCGCAGCATGGGTGCCAAAACGGTCATCGCC[A>G]TTGACGTGGGGAGCCAGGATGAGACGGACCTCAGCACCTACGGGGACAGCCTGTCCGGCT-3'
Protein context (NP_001159586.1, residues 1137-1157): RSMGAKTVIA[Ile1147Val]DVGSQDETDL